The following is an entry in ClinVar:

NM_001199753.2(CPT1C):c.1570C>T (p.His524Tyr)

Gene: CPT1C (carnitine palmitoyltransferase 1C; plus strand). Cytogenetic location: 19q13.33.
Variant type: single nucleotide variant.
Coding change: c.1570C>T on transcript NM_001199753.2 (MANE Select); coding-DNA position 1570, C replaced by T.
Protein change: p.His524Tyr; replaces histidine 524 with tyrosine.
Molecular consequence: missense variant. On other transcripts: non-coding transcript variant (1).
Genome position (GRCh38, 1-based): chr19:49,710,323, C>T. VCF-style: chr19-49710323-C-T. GRCh37 (hg19) VCF-style: chr19-50213580-C-T.
Other names: c.1537C>T, p.His513Tyr (NM_001136052.3, NM_001378485.1, NM_001378487.1); c.1570C>T, p.His524Tyr (NM_001199752.3, NM_001378483.1, NM_001378484.1 and 3 more transcripts); c.1636C>T, p.His546Tyr (NM_001378482.1); short protein forms H546Y, H513Y, H524Y.
Identifiers: ClinVar variation 2741897 (VCV002741897.3), dbSNP rs1276258249, ClinGen allele CA406906715.

ClinVar aggregate classification (germline): Uncertain significance (1 of 4 stars; one submission).

Conditions:
Hereditary spastic paraplegia 73. Also called: Spastic paraplegia 73, autosomal dominant. Identifiers: Orphanet 444099, MedGen C5568981, MONDO:0014568, OMIM 616282.

Allele frequency attached by ClinVar (database versions not stated): TOPMed below 0.00001; gnomAD 0.00001; gnomAD exomes 0.00001.
gnomAD v4.1: 13 of 1,613,712 alleles (0.00081%); highest among the groups gnomAD compares: African/African-American, 0.0013%; no homozygotes.

Submission:

Labcorp Genetics (formerly Invitae), Labcorp
Classification: Uncertain significance for Hereditary spastic paraplegia 73. Last evaluated: 2023-08-30. Review status: criteria provided, single submitter. Criteria: Invitae Variant Classification Sherloc (09022015). Collection method: clinical testing. Allele origin: germline.
Comment: Advanced modeling of protein sequence and biophysical properties (such as structural, functional, and spatial information, amino acid conservation, physicochemical variation, residue mobility, and thermodynamic stability) performed at Invitae indicates that this missense variant is not expected to disrupt CPT1C protein function. This variant has not been reported in the literature in individuals affected with CPT1C-related conditions. This variant is present in population databases (no rsID available, gnomAD 0.007%). This sequence change replaces histidine, which is basic and polar, with tyrosine, which is neutral and polar, at codon 513 of the CPT1C protein (p.His513Tyr). In summary, the available evidence is currently insufficient to determine the role of this variant in disease. Therefore, it has been classified as a Variant of Uncertain Significance.